The following is an entry in ClinVar:

ClinVar aggregate classification (germline): Uncertain significance (1 of 4 stars; one submission).

gnomAD v4.1: 1 of 1,613,554 alleles (0.000062%); highest among the groups gnomAD compares: Non-Finnish European, 0.000085%; no homozygotes.

Submission:

GeneDx
Classification: Uncertain significance. Last evaluated: 2024-06-21. Review status: criteria provided, single submitter. Criteria: GeneDx Variant Classification Process June 2021. Collection method: clinical testing. Allele origin: germline. Affected: yes.
Comment: Not observed at significant frequency in large population cohorts (gnomAD); In silico analysis indicates that this missense variant does not alter protein structure/function; Has not been previously published as pathogenic or benign to our knowledge

NM_015570.4(AUTS2):c.3457G>C (p.Glu1153Gln)

Gene: AUTS2 (activator of transcription and developmental regulator AUTS2; plus strand). Cytogenetic location: 7q11.22.
Variant type: single nucleotide variant.
Coding change: c.3457G>C on transcript NM_015570.4 (MANE Select); coding-DNA position 3457, G replaced by C.
Protein change: p.Glu1153Gln; replaces glutamic acid 1153 with glutamine.
Molecular consequence: missense variant.
Genome position (GRCh38, 1-based): chr7:70,790,673, G>C. VCF-style: chr7-70790673-G-C. GRCh37 (hg19) VCF-style: chr7-70255659-G-C.
Other names: c.3385G>C, p.Glu1129Gln (NM_001127231.3); short protein forms E1129Q, E1153Q.
Identifiers: ClinVar variation 3391734 (VCV003391734.1).